The following is an entry in ClinVar:

NM_001080453.3(INTS1):c.965C>T (p.Ala322Val)

Gene: INTS1 (integrator complex subunit 1; minus strand). Cytogenetic location: 7p22.3.
Variant type: single nucleotide variant.
Coding change: c.965C>T on transcript NM_001080453.3 (MANE Select); coding-DNA position 965, C replaced by T.
Protein change: p.Ala322Val; replaces alanine 322 with valine.
Molecular consequence: missense variant.
Genome position (GRCh38, 1-based): chr7:1,499,147, G>A on the plus strand (C>T on the coding strand, the complement: INTS1 is on the minus strand). VCF-style: chr7-1499147-G-A. GRCh37 (hg19) VCF-style: chr7-1538783-G-A.
Other names: short protein forms A322V.
Identifiers: ClinVar variation 3057989 (VCV003057989.3), dbSNP rs201106690, ClinGen allele CA4120521.
Genomic context (GRCh38, chr7:1,499,147, plus strand): 5'-GGCTGGCGCCGGTTCAGCTGGTCCCGCAGCATGTCCAGGACATACTCCTCCACGCTCTCC[G>A]CGAGCTCTTCGTACCTAGGCCAGAGGAGGGAGCGAGGAGGGAGGAAGGTGGCCCCGAGGC-3'
Protein context (NP_001073922.2, residues 312-332): GQLMPRYEEL[Ala322Val]ESVEEYVLDM

ClinVar aggregate classification (germline): Likely benign. Review status: criteria provided, single submitter (1 of 4 stars). 2 submissions from 2 submitters: Likely benign (1). 1 of the submissions does not count toward it. Last evaluated 2024-11-06.

Conditions:
INTS1-related disorder. Also called: INTS1-related condition.

Allele frequency attached by ClinVar (database versions not stated): TOPMed 0.00009; ESP Exome Variant Server 0.00016; 1000 Genomes Project 0.00020; 1000 Genomes Project 30x 0.00031; gnomAD 0.00055; ExAC 0.00084.
gnomAD v4.1: 665 of 1,610,040 alleles (0.041%); highest among the groups gnomAD compares: South Asian, 0.064%; 2 homozygotes.

Submissions (2):

Blueprint Genetics
Classification: Likely benign. Last evaluated: 2024-11-06. Review status: criteria provided, single submitter. Criteria: ACMG Guidelines, 2015. Collection method: clinical testing. Allele origin: germline.

PreventionGenetics, part of Exact Sciences
Classification: Likely benign for INTS1-related condition. Last evaluated: 2023-05-30. Review status: no assertion criteria provided. Collection method: clinical testing. Allele origin: germline. Not counted in ClinVar's aggregate classification.
Comment: This variant is classified as likely benign based on ACMG/AMP sequence variant interpretation guidelines (Richards et al. 2015 PMID: 25741868, with internal and published modifications).